The following is an entry in ClinVar:

NM_002467.6(MYC):c.1085C>T (p.Ser362Phe)

Gene: MYC (MYC proto-oncogene, bHLH transcription factor; plus strand). Cytogenetic location: 8q24.21.
Variant type: single nucleotide variant.
Coding change: c.1085C>T on transcript NM_002467.6 (MANE Select); coding-DNA position 1085, C replaced by T.
Protein change: p.Ser362Phe; replaces serine 362 with phenylalanine.
Molecular consequence: missense variant.
Genome position (GRCh38, 1-based): chr8:127,740,678, C>T. VCF-style: chr8-127740678-C-T. GRCh37 (hg19) VCF-style: chr8-128752924-C-T.
Other names: c.1082C>T, p.Ser361Phe (NM_001354870.1); short protein forms S361F, S362F.
Identifiers: ClinVar variation 719682 (VCV000719682.27), dbSNP rs200431478, ClinGen allele CA4875423.
Genomic context (GRCh38, chr8:127,740,678, plus strand): 5'-TGGACAGTGTCAGAGTCCTGAGACAGATCAGCAACAACCGAAAATGCACCAGCCCCAGGT[C>T]CTCGGACACCGAGGAGAATGTCAAGAGGCGAACACACAACGTCTTGGAGCGCCAGAGGAG-3'
Protein context (NP_002458.2, residues 352-372): SNNRKCTSPR[Ser362Phe]SDTEENVKRR

ClinVar aggregate classification (germline): Benign/Likely benign. Review status: criteria provided, multiple submitters, no conflicts (2 of 4 stars). 4 submissions from 4 submitters: Benign (2); Likely benign (2). Last evaluated 2025-08-18.

Allele frequency attached by ClinVar (database versions not stated): 1000 Genomes Project 0.00120; 1000 Genomes Project 30x 0.00141; ESP Exome Variant Server 0.00023; gnomAD 0.00034 and 0.00062; TOPMed 0.00040.
gnomAD v4.1: 1,599 of 1,614,078 alleles (0.099%); highest among the groups gnomAD compares: South Asian, 1%; 17 homozygotes.

Submissions (4):

Genomic Medicine Center of Excellence, King Faisal Specialist Hospital and Research Centre
Classification: Likely benign. Last evaluated: 2025-08-18. Review status: criteria provided, single submitter. Criteria: ACMG Guidelines, 2015. Collection method: clinical testing. Allele origin: germline.

CeGaT Center for Human Genetics Tuebingen
Classification: Likely benign. Last evaluated: 2023-12-01. Review status: criteria provided, single submitter. Criteria: CeGaT Center For Human Genetics Tuebingen Variant Classification Criteria Version 2. Collection method: clinical testing. Allele origin: germline. Affected: yes. Observed: 1 variant allele.
Comment: MYC: BS2

Labcorp Genetics (formerly Invitae), Labcorp
Classification: Benign. Last evaluated: 2018-06-29. Review status: criteria provided, single submitter. Criteria: Invitae Variant Classification Sherloc (09022015). Collection method: clinical testing. Allele origin: germline.

Breakthrough Genomics
Classification: Benign. Review status: criteria provided, single submitter. Criteria: ACMG Guidelines, 2015. Collection method: not provided. Allele origin: germline. Inheritance: Unknown mechanism. Affected: yes.